The following is an entry in ClinVar:

NC_000007.14:g.130441144G>T

Gene: CEP41 (centrosomal protein 41; minus strand). Cytogenetic location: 7q32.2.
Variant type: single nucleotide variant.
Genome position: GRCh38 VCF-style: chr7-130441144-G-T. GRCh37 (hg19) VCF-style: chr7-130080985-G-T.
Identifiers: ClinVar variation 358949 (VCV000358949.31), dbSNP rs10230670, ClinGen allele CA4485802.
Genomic context (GRCh38, chr7:130,441,144, plus strand): 5'-GTCTTCCCCGGCCGGCCAATGGGGGCCCCGTTTACTCTCTCATCTCAGGGTCGCAGAAGG[G>T]CAAGACGCCGCTCAATGGTTGCCAAGGGCAACGCGGGACGCCGGCTAGCGAGGCCTTTTG-3'

ClinVar aggregate classification (germline): Benign/Likely benign. Review status: criteria provided, multiple submitters, no conflicts (2 of 4 stars). 2 submissions from 2 submitters: Benign (1); Likely benign (1). Last evaluated 2023-01-01.

Allele frequency attached by ClinVar (database versions not stated): 1000 Genomes Project 30x 0.00344; 1000 Genomes Project 0.00399.
gnomAD v4.1: 5,124 of 730,520 alleles (0.7%); highest among the groups gnomAD compares: Middle Eastern, 1.7%; 34 homozygotes.

Submissions (2):

CeGaT Center for Human Genetics Tuebingen
Classification: Benign. Last evaluated: 2023-01-01. Review status: criteria provided, single submitter. Criteria: CeGaT Center For Human Genetics Tuebingen Variant Classification Criteria Version 2. Collection method: clinical testing. Allele origin: germline. Affected: yes. Observed: 2 variant alleles.
Comment: CEP41: BS1, BS2

GeneDx
Classification: Likely benign. Last evaluated: 2020-04-04. Review status: criteria provided, single submitter. Criteria: GeneDx Variant Classification Process June 2021. Collection method: clinical testing. Allele origin: germline. Affected: yes.